The following is an entry in ClinVar:

NM_018941.4(CLN8):c.650G>C (p.Trp217Ser)

Gene: CLN8 (CLN8 transmembrane ER and ERGIC protein; plus strand). Cytogenetic location: 8p23.3.
Variant type: single nucleotide variant.
Coding change: c.650G>C on transcript NM_018941.4 (MANE Select); coding-DNA position 650, G replaced by C.
Protein change: p.Trp217Ser; replaces tryptophan 217 with serine.
Molecular consequence: missense variant.
Genome position (GRCh38, 1-based): chr8:1,780,356, G>C. VCF-style: chr8-1780356-G-C. GRCh37 (hg19) VCF-style: chr8-1728522-G-C.
Other names: short protein forms W217S.
Identifiers: ClinVar variation 2187547 (VCV002187547.1), dbSNP rs1197447221, ClinGen allele CA369954040.

ClinVar aggregate classification (germline): Uncertain significance (1 of 4 stars; one submission).

Conditions:
Neuronal ceroid lipofuscinosis. Also called: Neuronal Ceroid Lipofuscinoses. Identifiers: Orphanet 216, Orphanet 79263, MedGen C0027877, MONDO:0016295. Disease mechanism: loss of function.

Allele frequency attached by ClinVar (database versions not stated): gnomAD exomes below 0.00001.
gnomAD v4.1: 2 of 1,614,260 alleles (0.00012%); highest among the groups gnomAD compares: Admixed American, 0.0033%; no homozygotes.

Submission:

Labcorp Genetics (formerly Invitae), Labcorp
Classification: Uncertain significance for Neuronal ceroid lipofuscinosis. Last evaluated: 2022-03-10. Review status: criteria provided, single submitter. Criteria: Invitae Variant Classification Sherloc (09022015). Collection method: clinical testing. Allele origin: germline.
Comment: This sequence change replaces tryptophan, which is neutral and slightly polar, with serine, which is neutral and polar, at codon 217 of the CLN8 protein (p.Trp217Ser). This variant is present in population databases (no rsID available, gnomAD 0.006%). This variant has not been reported in the literature in individuals affected with CLN8-related conditions. Advanced modeling of protein sequence and biophysical properties (such as structural, functional, and spatial information, amino acid conservation, physicochemical variation, residue mobility, and thermodynamic stability) performed at Invitae indicates that this missense variant is not expected to disrupt CLN8 protein function. In summary, the available evidence is currently insufficient to determine the role of this variant in disease. Therefore, it has been classified as a Variant of Uncertain Significance.